The following is an entry in ClinVar:

NM_000088.4(COL1A1):c.3589_3590del (p.Asp1197fs)

Gene: COL1A1 (collagen type I alpha 1 chain; minus strand). Cytogenetic location: 17q21.33.
Variant type: Deletion.
Coding change: c.3589_3590del on transcript NM_000088.4 (MANE Select); coding-DNA positions 3589 to 3590, 2 bases deleted (GA; older notation c.3589_3590delGA).
Protein change: p.Asp1197fs; shifts the reading frame from aspartic acid 1197.
Molecular consequence: frameshift variant.
Genome position (GRCh38, 1-based): chr17:50,186,864-50,186,865, TC deleted on the plus strand (GA on the coding strand, the reverse complement: COL1A1 is on the minus strand). VCF-style (leftmost placement, unchanged base first): chr17-50186863-GTC-G. GRCh37 (hg19) VCF-style: chr17-48264224-GTC-G.
Other names: short protein forms D1197fs.
Identifiers: ClinVar variation 1070187 (VCV001070187.9), dbSNP rs72656336, ClinGen allele CA291542884.
Genomic context (GRCh38, chr17:50,186,863, plus strand): 5'-CCGGTAGTAGCGGCCACCATCGTGAGCCTTCTCTTGAGGTGGCTGGGGCAGGAAGCTGAA[GTC>G]GAAACCAGCGCTGGGAGGACCAGGGGGACCAGGAGGTCCAGGAGGGCCGGGGGGACCCTG-3'

ClinVar aggregate classification (germline): Pathogenic (1 of 4 stars; one submission).

Conditions:
Osteogenesis imperfecta type I (OI1). Also called: OI, TYPE I; OSTEOGENESIS IMPERFECTA TARDA; OSTEOGENESIS IMPERFECTA WITH BLUE SCLERAE; Lobstein disease; Osteogenesis imperfecta type 1; Lobstein's Disease. Identifiers: Orphanet 216796, Orphanet 666, MedGen C0023931, MONDO:0008146, OMIM 166200. Disease mechanism: loss of function.

Submission:

Labcorp Genetics (formerly Invitae), Labcorp
Classification: Pathogenic for Osteogenesis imperfecta type I. Last evaluated: 2020-03-17. Review status: criteria provided, single submitter. Criteria: Invitae Variant Classification Sherloc (09022015). Collection method: clinical testing. Allele origin: germline.
Comment: This variant has been observed in individual(s) with osteogenesis imperfecta type I (PMID: 7942841). This variant is also known as a 2-bp deletion in exon 49 in the literature. Loss-of-function variants in COL1A1 are known to be pathogenic (PMID: 7942841, 9295084, 9443882). For these reasons, this variant has been classified as Pathogenic. This sequence change creates a premature translational stop signal (p.Asp1197Leufs*22) in the COL1A1 gene. It is expected to result in an absent or disrupted protein product. This variant is not present in population databases (ExAC no frequency).

Literature cited by the submitters: PubMed 7942841; PubMed 9295084; PubMed 9443882.